The following is an entry in ClinVar:

NM_015631.6(TCTN3):c.1707CTT[1] (p.Phe571del)

Gene: TCTN3 (tectonic family member 3; minus strand). Cytogenetic location: 10q24.1.
Variant type: Microsatellite.
Coding change: c.1707CTT[1] on transcript NM_015631.6 (MANE Select); one copy of the 3-base unit CTT starting at c.1707; the reference has two copies in a row; one copy, 3 bases deleted.
Protein change: p.Phe571del; deletes phenylalanine 571.
Molecular consequence: inframe deletion. On other transcripts: inframe indel (2).
Genome position (GRCh38, 1-based): chr10:95,664,179-95,664,181, AAG deleted on the plus strand (CTT on the coding strand, the reverse complement: TCTN3 is on the minus strand); deleting any 3 consecutive bases within chr10:95,664,179-95,664,184 gives the same sequence; the position shown is the placement nearest the transcript's 3' end. VCF-style (leftmost placement, unchanged base first): chr10-95664178-AAAG-A. GRCh37 (hg19) VCF-style: chr10-97423935-AAAG-A.
Other names: c.1761_1763CTT[1], p.Phe589del (NM_001013840.1); c.1263CTT[1], p.Phe423del (NM_001143973.2); c.1611_1613CTT[1], p.Phe539del (NM_001410982.1); short protein forms F539del, F571del, F589del, F423del.
Identifiers: ClinVar variation 2104846 (VCV002104846.4), dbSNP rs2492672765, ClinGen allele CA2580615586.

ClinVar aggregate classification (germline): Uncertain significance (1 of 4 stars; one submission).

Conditions:
Joubert syndrome 18 (JBTS18). Identifiers: Orphanet 2754, MedGen C3553758, MONDO:0013896, OMIM 614815.
Orofacial-digital syndrome IV (OFD4). Also called: BARAITSER-BURN SYNDROME; OFD SYNDROME WITH TIBIAL DEFECTS; OFD SYNDROME, BARAITSER-BURN TYPE; OFDS IV; ORAL-FACIAL-DIGITAL SYNDROME, TYPE IV; Orofaciodigital syndrome IV. Identifiers: Orphanet 2753, MedGen C0406727, MONDO:0009794, OMIM 258860.

Submission:

Labcorp Genetics (formerly Invitae), Labcorp
Classification: Uncertain significance for Joubert syndrome 18; Orofacial-digital syndrome IV. Last evaluated: 2025-02-24. Review status: criteria provided, single submitter. Criteria: Invitae Variant Classification Sherloc (09022015). Collection method: clinical testing. Allele origin: germline.
Comment: This variant, c.1710_1712del, results in the deletion of 1 amino acid(s) of the TCTN3 protein (p.Phe571del), but otherwise preserves the integrity of the reading frame. This variant is not present in population databases (gnomAD no frequency). This variant has not been reported in the literature in individuals affected with TCTN3-related conditions. Experimental studies and prediction algorithms are not available or were not evaluated, and the functional significance of this variant is currently unknown. In summary, the available evidence is currently insufficient to determine the role of this variant in disease. Therefore, it has been classified as a Variant of Uncertain Significance.